The following is an entry in ClinVar:

NM_018671.5(UNC45A):c.364G>C (p.Glu122Gln)

Gene: UNC45A (unc-45 myosin chaperone A; plus strand). Cytogenetic location: 15q26.1.
Variant type: single nucleotide variant.
Coding change: c.364G>C on transcript NM_018671.5 (MANE Select); coding-DNA position 364, G replaced by C.
Protein change: p.Glu122Gln; replaces glutamic acid 122 with glutamine.
Molecular consequence: missense variant. On other transcripts: 5 prime UTR variant (1).
Genome position (GRCh38, 1-based): chr15:90,936,398, G>C. VCF-style: chr15-90936398-G-C. GRCh37 (hg19) VCF-style: chr15-91479628-G-C.
Other names: c.319G>C, p.Glu107Gln (NM_001039675.2, NM_001323621.2); c.364G>C, p.Glu122Gln (NM_001323619.1); c.-72G>C (NM_001323620.2); short protein forms E107Q, E122Q.
Identifiers: ClinVar variation 1508648 (VCV001508648.6), dbSNP rs763110793, ClinGen allele CA393891010.

ClinVar aggregate classification (germline): Uncertain significance (1 of 4 stars; one submission).

Submission:

Labcorp Genetics (formerly Invitae), Labcorp
Classification: Uncertain significance. Last evaluated: 2021-02-11. Review status: criteria provided, single submitter. Criteria: Invitae Variant Classification Sherloc (09022015). Collection method: clinical testing. Allele origin: germline.
Comment: In summary, the available evidence is currently insufficient to determine the role of this variant in disease. Therefore, it has been classified as a Variant of Uncertain Significance. Algorithms developed to predict the effect of missense changes on protein structure and function are either unavailable or do not agree on the potential impact of this missense change (SIFT: "Not Available"; PolyPhen-2: "Possibly Damaging"; Align-GVGD: "Not Available"). This variant has not been reported in the literature in individuals with UNC45A-related conditions. This variant is not present in population databases (ExAC no frequency). This sequence change replaces glutamic acid with glutamine at codon 122 of the UNC45A protein (p.Glu122Gln). The glutamic acid residue is moderately conserved and there is a small physicochemical difference between glutamic acid and glutamine.